The following is an entry in ClinVar:

NM_000038.6(APC):c.4989A>T (p.Glu1663Asp)

Gene: APC (APC regulator of Wnt signaling pathway; plus strand). Cytogenetic location: 5q22.2.
Variant type: single nucleotide variant.
Coding change: c.4989A>T on transcript NM_000038.6 (MANE Select); coding-DNA position 4989, A replaced by T.
Protein change: p.Glu1663Asp; replaces glutamic acid 1663 with aspartic acid.
Molecular consequence: missense variant.
Genome position (GRCh38, 1-based): chr5:112,840,583, A>T. VCF-style: chr5-112840583-A-T. GRCh37 (hg19) VCF-style: chr5-112176280-A-T.
Other names: c.4989A>T, p.Glu1663Asp (NM_001127510.3, NM_001354895.2); c.4935A>T, p.Glu1645Asp (NM_001127511.3); c.5043A>T, p.Glu1681Asp (NM_001354896.2); c.5019A>T, p.Glu1673Asp (NM_001354897.2); c.4914A>T, p.Glu1638Asp (NM_001354898.2); c.4905A>T, p.Glu1635Asp (NM_001354899.2); c.4866A>T, p.Glu1622Asp (NM_001354900.2); c.4812A>T, p.Glu1604Asp (NM_001354901.2); and 5 more; short protein forms E1380D, E1572D, E1681D, E1503D, E1537D, E1645D, E1604D, E1635D.
Identifiers: ClinVar variation 655826 (VCV000655826.10), dbSNP rs863224284, ClinGen allele CA16032251.

ClinVar aggregate classification (germline): Uncertain significance (1 of 4 stars; one submission).

Conditions:
Familial adenomatous polyposis 1 (FAP1). Also called: FAMILIAL ADENOMATOUS POLYPOSIS 1, ATTENUATED; POLYPOSIS, ADENOMATOUS INTESTINAL. Identifiers: MedGen C2713442, MONDO:0021056, OMIM 175100. Disease mechanism: loss of function.

Submission:

Labcorp Genetics (formerly Invitae), Labcorp
Classification: Uncertain significance for Familial adenomatous polyposis 1. Last evaluated: 2024-10-24. Review status: criteria provided, single submitter. Criteria: Invitae Variant Classification Sherloc (09022015). Collection method: clinical testing. Allele origin: germline.
Comment: This sequence change replaces glutamic acid, which is acidic and polar, with aspartic acid, which is acidic and polar, at codon 1663 of the APC protein (p.Glu1663Asp). This variant is not present in population databases (gnomAD no frequency). This variant has not been reported in the literature in individuals affected with APC-related conditions. ClinVar contains an entry for this variant (Variation ID: 655826). Invitae Evidence Modeling of protein sequence and biophysical properties (such as structural, functional, and spatial information, amino acid conservation, physicochemical variation, residue mobility, and thermodynamic stability) indicates that this missense variant is not expected to disrupt APC protein function with a negative predictive value of 95%. In summary, the available evidence is currently insufficient to determine the role of this variant in disease. Therefore, it has been classified as a Variant of Uncertain Significance.